The following is an entry in ClinVar:

NM_020975.6(RET):c.2344G>A (p.Val782Ile)

Gene: RET (ret proto-oncogene; plus strand). Cytogenetic location: 10q11.21.
Variant type: single nucleotide variant.
Coding change: c.2344G>A on transcript NM_020975.6 (MANE Select); coding-DNA position 2344, G replaced by A.
Protein change: p.Val782Ile; replaces valine 782 with isoleucine.
Molecular consequence: missense variant.
Genome position (GRCh38, 1-based): chr10:43,118,432, G>A. VCF-style: chr10-43118432-G-A. GRCh37 (hg19) VCF-style: chr10-43613880-G-A.
Other names: c.2344G>A, p.Val782Ile (NM_000323.2, NM_001406743.1, NM_001406744.1 and 4 more transcripts); c.1582G>A, p.Val528Ile (NM_001355216.2); c.2215G>A, p.Val739Ile (NM_001406761.1, NM_001406762.1, NM_001406764.1); c.2209G>A, p.Val737Ile (NM_001406763.1, NM_001406765.1); c.2056G>A, p.Val686Ile (NM_001406766.1, NM_001406767.1, NM_001406770.1); c.2080G>A, p.Val694Ile (NM_001406768.1); c.1948G>A, p.Val650Ile (NM_001406769.1, NM_001406772.1); c.1906G>A, p.Val636Ile (NM_001406771.1, NM_001406773.1); and 10 more; short protein forms V782I, V528I, V299I, V347I, V443I, V483I, V636I, V650I.
Identifiers: ClinVar variation 1413815 (VCV001413815.7), dbSNP rs1838124605, ClinGen allele CA376555754.

ClinVar aggregate classification (germline): Uncertain significance (1 of 4 stars; one submission).

Conditions:
Multiple endocrine neoplasia, type 2 (MEN2). Identifiers: Orphanet 653, MedGen C4048306, MONDO:0019003. Disease mechanism: gain of function.

Submission:

Labcorp Genetics (formerly Invitae), Labcorp
Classification: Uncertain significance for Multiple endocrine neoplasia, type 2. Last evaluated: 2021-10-16. Review status: criteria provided, single submitter. Criteria: Invitae Variant Classification Sherloc (09022015). Collection method: clinical testing. Allele origin: germline.
Comment: This sequence change replaces valine with isoleucine at codon 782 of the RET protein (p.Val782Ile). The valine residue is highly conserved and there is a small physicochemical difference between valine and isoleucine. This variant is not present in population databases (ExAC no frequency). This variant has not been reported in the literature in individuals affected with RET-related conditions. Algorithms developed to predict the effect of missense changes on protein structure and function are either unavailable or do not agree on the potential impact of this missense change (SIFT: "Deleterious"; PolyPhen-2: "Benign"; Align-GVGD: "Class C0"). In summary, the available evidence is currently insufficient to determine the role of this variant in disease. Therefore, it has been classified as a Variant of Uncertain Significance.